The following is an entry in ClinVar:

NM_005343.4(HRAS):c.413G>T (p.Gly138Val)

Genes: HRAS (HRas proto-oncogene, GTPase; minus strand), LRRC56 (leucine rich repeat containing 56; plus strand). Cytogenetic location: 11p15.5.
Variant type: single nucleotide variant.
Coding change: c.413G>T on transcript NM_005343.4 (MANE Select); coding-DNA position 413, G replaced by T.
Protein change: p.Gly138Val; replaces glycine 138 with valine.
Molecular consequence: missense variant.
Genome position (GRCh38, 1-based): chr11:533,490, C>A on the plus strand (G>T on the coding strand, the complement: HRAS is on the minus strand). VCF-style: chr11-533490-C-A. GRCh37 (hg19) VCF-style: chr11-533490-C-A.
Other names: c.413G>T, p.Gly138Val (NM_001130442.3, NM_176795.5); c.94G>T, p.Ala32Ser (NM_001318054.2); short protein forms A32S, G138V.
Identifiers: ClinVar variation 1518179 (VCV001518179.7), dbSNP rs1554884772, ClinGen allele CA378922928.
Genomic context (GRCh38, chr11:533,490, plus strand): 5'-TGTGGGGTGGAGAGCTGCCTCACCTGCCGGGTCTTGGCCGAGGTCTCGATGTAGGGGATG[C>A]CGTAGCTTCGGGCGAGGTCCTGAGCCTGCCGAGATTCCACAGTGCGTGCAGCCAGGTCAC-3'
Protein context (NP_005334.1, residues 128-148): RQAQDLARSY[Gly138Val]IPYIETSAKT

ClinVar aggregate classification (germline): Uncertain significance (1 of 4 stars; one submission).

Conditions:
Costello syndrome (CSTLO). Also called: FACIOCUTANEOSKELETAL SYNDROME; HRAS-Related Costello Syndrome; FCS SYNDROME. Identifiers: Orphanet 3071, MedGen C0587248, MONDO:0009026, OMIM 218040.

gnomAD v4.1: 1 of 1,613,606 alleles (0.000062%); highest among the groups gnomAD compares: Non-Finnish European, 0.000085%; no homozygotes.

Submission:

Labcorp Genetics (formerly Invitae), Labcorp
Classification: Uncertain significance for Costello syndrome. Last evaluated: 2021-10-14. Review status: criteria provided, single submitter. Criteria: Invitae Variant Classification Sherloc (09022015). Collection method: clinical testing. Allele origin: germline.
Comment: In summary, the available evidence is currently insufficient to determine the role of this variant in disease. Therefore, it has been classified as a Variant of Uncertain Significance. Advanced modeling of protein sequence and biophysical properties (such as structural, functional, and spatial information, amino acid conservation, physicochemical variation, residue mobility, and thermodynamic stability) performed at Invitae indicates that this missense variant is not expected to disrupt HRAS protein function. This variant has not been reported in the literature in individuals affected with HRAS-related conditions. This variant is not present in population databases (ExAC no frequency). This sequence change replaces glycine with valine at codon 138 of the HRAS protein (p.Gly138Val). The glycine residue is highly conserved and there is a moderate physicochemical difference between glycine and valine.